The following is an entry in ClinVar:

ClinVar aggregate classification (germline): Benign (0 of 4 stars; one submission).

Conditions:
PDZD2-related disorder. Also called: PDZD2-related condition.

Allele frequency attached by ClinVar (database versions not stated): gnomAD 0.08211; TOPMed 0.08740; 1000 Genomes Project 0.11761; 1000 Genomes Project 30x 0.11899.
gnomAD v4.1: 145,639 of 1,613,834 alleles (9%); highest among the groups gnomAD compares: East Asian, 24%; 7,265 homozygotes.

Submission:

PreventionGenetics, part of Exact Sciences
Classification: Benign for PDZD2-related condition. Last evaluated: 2019-02-26. Review status: no assertion criteria provided. Collection method: clinical testing. Allele origin: germline.
Comment: This variant is classified as benign based on ACMG/AMP sequence variant interpretation guidelines (Richards et al. 2015 PMID: 25741868, with internal and published modifications).

NM_178140.4(PDZD2):c.4254G>C (p.Gly1418=)

Gene: PDZD2 (PDZ domain containing 2; plus strand). Cytogenetic location: 5p13.3.
Variant type: single nucleotide variant.
Coding change: c.4254G>C on transcript NM_178140.4 (MANE Select); coding-DNA position 4254, G replaced by C.
Protein change: p.Gly1418=; no amino-acid change (glycine 1418 retained).
Molecular consequence: synonymous variant.
Genome position (GRCh38, 1-based): chr5:32,087,702, G>C. VCF-style: chr5-32087702-G-C. GRCh37 (hg19) VCF-style: chr5-32087808-G-C.
Identifiers: ClinVar variation 3060366 (VCV003060366.2), dbSNP rs3733720, ClinGen allele CA3219685.